The following is an entry in ClinVar:

NM_152416.4(NDUFAF6):c.420+304A>G

Gene: NDUFAF6 (NADH:ubiquinone oxidoreductase complex assembly factor 6; plus strand). Cytogenetic location: 8q22.1.
Variant type: single nucleotide variant.
Coding change: c.420+304A>G on transcript NM_152416.4 (MANE Select); 304 bases into the intron after coding-DNA position 420, A replaced by G.
Molecular consequence: intron variant.
Genome position (GRCh38, 1-based): chr8:95,035,880, A>G. VCF-style: chr8-95035880-A-G. GRCh37 (hg19) VCF-style: chr8-96048108-A-G.
Other names: c.87+304A>G (NM_001354534.2, NM_001354518.2, NM_001354519.2 and 1 more transcripts); c.144+304A>G (NM_001354514.2, NM_001354515.2, NM_001330582.2 and 1 more transcripts); c.-230+304A>G (NM_001354525.2, NM_001354524.2, NM_001354528.2 and 1 more transcripts); c.-161+304A>G (NM_001354522.2, NM_001354532.2, NM_001354530.2 and 1 more transcripts); c.264+304A>G (NM_001354516.2); c.-259+304A>G (NM_001354527.2, NM_001354531.2).
Identifiers: ClinVar variation 681311 (VCV000681311.1), dbSNP rs17722836, ClinGen allele CA181472998.
Genomic context (GRCh38, chr8:95,035,880, plus strand): 5'-CTTGTATTTTCCACATTTCCATATTTGCCTGCAGAATTTAAATCCTACACATTTTGATAT[A>G]ATAGCAAGTAAAATGTTCTGTTCTCTCTGCCTAGCAGCAGCTCCTTATACCAGTGTTTTA-3'

ClinVar aggregate classification (germline): Likely benign (1 of 4 stars; one submission).

Allele frequency attached by ClinVar (database versions not stated): 1000 Genomes Project 0.00938; 1000 Genomes Project 30x 0.00953; TOPMed 0.01467; gnomAD 0.01559 and 0.01595.
gnomAD v4.1: 2,358 of 152,334 alleles (1.5%); highest among the groups gnomAD compares: Non-Finnish European, 2.1%; 28 homozygotes.

Submission:

GeneDx
Classification: Likely benign. Last evaluated: 2018-06-16. Review status: criteria provided, single submitter. Criteria: GeneDx Variant Classification (06012015). Collection method: clinical testing. Allele origin: germline. Affected: yes.
Comment: This variant is considered likely benign or benign based on one or more of the following criteria: it is a conservative change, it occurs at a poorly conserved position in the protein, it is predicted to be benign by multiple in silico algorithms, and/or has population frequency not consistent with disease.